The following is an entry in ClinVar:

NM_000092.5(COL4A4):c.2672_2673insCATCATC (p.Pro892fs)

Gene: COL4A4 (collagen type IV alpha 4 chain; minus strand). Cytogenetic location: 2q36.3.
Variant type: Insertion.
Coding change: c.2672_2673insCATCATC on transcript NM_000092.5 (MANE Select); coding-DNA positions 2672 to 2673, CATCATC inserted.
Protein change: p.Pro892fs; shifts the reading frame from proline 892.
Molecular consequence: frameshift variant.
Genome position: GRCh38 VCF-style: chr2-227055988-A-AGATGATG. GRCh37 (hg19) VCF-style: chr2-227920704-A-AGATGATG.
Other names: short protein forms P892fs.
Identifiers: ClinVar variation 1726011 (VCV001726011.2), dbSNP rs2474117528, ClinGen allele CA2580065881.

ClinVar aggregate classification (germline): Likely pathogenic (1 of 4 stars; one submission).

Conditions:
Autosomal recessive Alport syndrome (ATS2). Also called: Alport syndrome type 2; COL4A4 Alport Syndrome and Thin Basement Membrane Nephropathy; ALPORT SYNDROME 2, AUTOSOMAL RECESSIVE; COL4A3-Related Nephropathy. Identifiers: Orphanet 63, Orphanet 88919, MedGen C4746745, MONDO:0008762, OMIM 203780.

Submission:

Myriad Genetics, Inc.
Classification: Likely pathogenic for Autosomal recessive Alport syndrome. Last evaluated: 2022-05-04. Review status: criteria provided, single submitter. Criteria: Myriad Women's Health Autosomal Recessive and X-Linked Classification Criteria (2021). Collection method: clinical testing. Allele origin: unknown.
Comment: NM_000092.4(COL4A4):c.2672_2673ins7(P892Ifs*7) is expected to be pathogenic in the context of COL4A4-related Alport syndrome. This variant is predicted to lead to an abnormal or absent protein product due to the creation of a premature termination codon in COL4A4, a gene where loss-of-function variants are known to be pathogenic. Please note: this variant was assessed in the context of healthy population screening.